The following is an entry in ClinVar:

ClinVar aggregate classification (germline): Likely benign. Review status: criteria provided, multiple submitters, no conflicts (2 of 4 stars). 3 submissions from 3 submitters: Likely benign (3). Last evaluated 2024-10-28.

Allele frequency attached by ClinVar (database versions not stated): ExAC 0.00002; gnomAD 0.00004 and 0.00005; gnomAD exomes 0.00004 and 0.00009; TOPMed 0.00008.
gnomAD v4.1: 134 of 1,613,856 alleles (0.0083%); highest among the groups gnomAD compares: Non-Finnish European, 0.011%; no homozygotes.

Submissions (3):

Blueprint Genetics
Classification: Likely benign. Last evaluated: 2024-10-28. Review status: criteria provided, single submitter. Criteria: ACMG Guidelines, 2015. Collection method: clinical testing. Allele origin: germline.

CeGaT Center for Human Genetics Tuebingen
Classification: Likely benign. Last evaluated: 2023-10-01. Review status: criteria provided, single submitter. Criteria: CeGaT Center For Human Genetics Tuebingen Variant Classification Criteria Version 2. Collection method: clinical testing. Allele origin: germline. Affected: yes. Observed: 1 variant allele.
Comment: MYT1L: BS2

GeneDx
Classification: Likely benign. Last evaluated: 2019-08-01. Review status: criteria provided, single submitter. Criteria: GeneDx Variant Classification Process June 2021. Collection method: clinical testing. Allele origin: germline. Affected: yes.

NM_001303052.2(MYT1L):c.995A>G (p.Asn332Ser)

Gene: MYT1L (myelin transcription factor 1 like; minus strand). Cytogenetic location: 2p25.3.
Variant type: single nucleotide variant.
Coding change: c.995A>G on transcript NM_001303052.2 (MANE Select); coding-DNA position 995, A replaced by G.
Protein change: p.Asn332Ser; replaces asparagine 332 with serine.
Molecular consequence: missense variant.
Genome position (GRCh38, 1-based): chr2:1,922,774, T>C on the plus strand (A>G on the coding strand, the complement: MYT1L is on the minus strand). VCF-style: chr2-1922774-T-C. GRCh37 (hg19) VCF-style: chr2-1926546-T-C.
Other names: c.995A>G, p.Asn332Ser (NM_001329844.2, NM_001329845.1, NM_001329846.3 and 6 more transcripts); short protein forms N332S.
Identifiers: ClinVar variation 1216019 (VCV001216019.28), dbSNP rs199856266, ClinGen allele CA1514318.